The following is an entry in ClinVar:

ClinVar aggregate classification (germline): Uncertain significance (1 of 4 stars; one submission).

Conditions:
Kleefstra syndrome 1 (KLEFS1). Identifiers: Orphanet 261494, MedGen C0795833, MONDO:0027407, OMIM 610253.

Submission:

Labcorp Genetics (formerly Invitae), Labcorp
Classification: Uncertain significance for Kleefstra syndrome 1. Last evaluated: 2022-03-11. Review status: criteria provided, single submitter. Criteria: Invitae Variant Classification Sherloc (09022015). Collection method: clinical testing. Allele origin: germline.
Comment: In summary, the available evidence is currently insufficient to determine the role of this variant in disease. Therefore, it has been classified as a Variant of Uncertain Significance. Algorithms developed to predict the effect of missense changes on protein structure and function (SIFT, PolyPhen-2, Align-GVGD) all suggest that this variant is likely to be disruptive. This variant has not been reported in the literature in individuals affected with EHMT1-related conditions. This variant is not present in population databases (gnomAD no frequency). This sequence change replaces serine, which is neutral and polar, with phenylalanine, which is neutral and non-polar, at codon 1260 of the EHMT1 protein (p.Ser1260Phe).

NM_024757.5(EHMT1):c.3779C>T (p.Ser1260Phe)

Gene: EHMT1 (euchromatic histone lysine methyltransferase 1; plus strand). Cytogenetic location: 9q34.3.
Variant type: single nucleotide variant.
Coding change: c.3779C>T on transcript NM_024757.5 (MANE Select); coding-DNA position 3779, C replaced by T.
Protein change: p.Ser1260Phe; replaces serine 1260 with phenylalanine.
Molecular consequence: missense variant.
Genome position (GRCh38, 1-based): chr9:137,834,835, C>T. VCF-style: chr9-137834835-C-T. GRCh37 (hg19) VCF-style: chr9-140729287-C-T.
Other names: c.3758C>T, p.Ser1253Phe (NM_001354263.2); short protein forms S1253F, S1260F.
Identifiers: ClinVar variation 2109171 (VCV002109171.4), dbSNP rs2539005630, ClinGen allele CA375783245.